The following is an entry in ClinVar:

NM_182961.4(SYNE1):c.16926A>G (p.Lys5642=)

Genes: SYNE1 (spectrin repeat containing nuclear envelope protein 1; minus strand), LOC126859837 (BRD4-independent group 4 enhancer GRCh37_chr6:152630775-152631974; plus strand). Cytogenetic location: 6q25.2.
Variant type: single nucleotide variant.
Coding change: c.16926A>G on transcript NM_182961.4 (MANE Select); coding-DNA position 16926, A replaced by G.
Protein change: p.Lys5642=; no amino-acid change (lysine 5642 retained).
Molecular consequence: synonymous variant.
Genome position (GRCh38, 1-based): chr6:152,310,489, T>C on the plus strand (A>G on the coding strand, the complement: SYNE1 is on the minus strand). VCF-style: chr6-152310489-T-C. GRCh37 (hg19) VCF-style: chr6-152631624-T-C.
Other names: c.16713A>G, p.Lys5571= (NM_033071.5).
Identifiers: ClinVar variation 3025784 (VCV003025784.22), dbSNP rs2482748899, ClinGen allele CA452754670.

ClinVar aggregate classification (germline): Uncertain significance (1 of 4 stars; one submission).

Submission:

CeGaT Center for Human Genetics Tuebingen
Classification: Uncertain significance. Last evaluated: 2024-02-01. Review status: criteria provided, single submitter. Criteria: CeGaT Center For Human Genetics Tuebingen Variant Classification Criteria Version 2. Collection method: clinical testing. Allele origin: germline. Affected: yes. Observed: 1 variant allele.
Comment: SYNE1: PM2:Supporting, BP4